The following is an entry in ClinVar:

ClinVar aggregate classification (germline): Uncertain significance. Review status: criteria provided, multiple submitters, no conflicts (2 of 4 stars). 3 submissions from 3 submitters: Uncertain significance (2). 1 of the submissions does not count toward it. Last evaluated 2024-06-21.

Conditions:
Familial Mediterranean fever, autosomal dominant. Also called: Dominant Familial Mediterranean Fever; FMF, AUTOSOMAL DOMINANT. Identifiers: Orphanet 342, MedGen C1851347, MONDO:0007601, OMIM 134610.
Acute febrile neutrophilic dermatosis (AFND). Also called: Sweet Syndrome; Gomm Button disease. Identifiers: Orphanet 3243, MedGen C0085077, MONDO:0011959, OMIM 608068.
Familial Mediterranean fever (FMF). Also called: POLYSEROSITIS, FAMILIAL PAROXYSMAL; POLYSEROSITIS, RECURRENT; Periodic peritonitis; Benign paroxysmal peritonitis. Identifiers: Orphanet 342, MedGen C0031069, MONDO:0018088, OMIM 249100. Disease mechanism: gain of function.

Allele frequency attached by ClinVar (database versions not stated): gnomAD 0.00001; TOPMed 0.00001.
gnomAD v4.1: 1 of 1,614,052 alleles (0.000062%); highest among the groups gnomAD compares: Non-Finnish European, 0.000085%; no homozygotes.

Submissions (3):

Fulgent Genetics
Classification: Uncertain significance for Familial Mediterranean fever, autosomal dominant; Familial Mediterranean fever; Acute febrile neutrophilic dermatosis. Last evaluated: 2024-06-21. Review status: criteria provided, single submitter. Criteria: ACMG Guidelines, 2015. Collection method: clinical testing. Allele origin: germline.

GeneDx
Classification: Uncertain significance. Last evaluated: 2016-02-12. Review status: criteria provided, single submitter. Criteria: GeneDx Variant Classification (06012015). Collection method: clinical testing. Allele origin: germline. Affected: yes.
Comment: The F743L variant has been published previously in association with familial Mediterranean fevers (Goulielmos et al., 2006; Weinert et al., 2009; Ben-Chetrit et al., 2009). It was not observed in approximately 6,500 individuals of European and African American ancestry in the NHLBI Exome Sequencing Project, indicating it is not a common benign variant in these populations. F743L is a conservative amino acid substitution, which is not likely to impact secondary protein structure as these residues share similar properties. However, this substitution occurs at a position that is not conserved and in silico analysis is inconsistent in its predictions as to whether or not the variant is damaging to the protein structure/function. Although missense variants at the same codon (c.2229 G>G) and in nearby residues (A744S) have been reported in the Human Gene Mutation Database in association with FMF (Stenson et al., 2014), supporting the functional importance of this region of the protein, functional studies of the F743L variant have shown no effect on the stability of the pyrin structure and suggest it may be a neutral variant (Arakelov et al., 2015). Therefore, based on the currently available information, it is unclear whether this variant is a pathogenic variant or a rare benign variant.

Natera, Inc.
Classification: Uncertain significance for Familial Mediterranean fever. Last evaluated: 2021-03-26. Review status: no assertion criteria provided. Collection method: clinical testing. Allele origin: germline. Not counted in ClinVar's aggregate classification.

NM_000243.3(MEFV):c.2227T>C (p.Phe743Leu)

Gene: MEFV (MEFV innate immunity regulator, pyrin; minus strand). Cytogenetic location: 16p13.3.
Variant type: single nucleotide variant.
Coding change: c.2227T>C on transcript NM_000243.3 (MANE Select); coding-DNA position 2227, T replaced by C.
Protein change: p.Phe743Leu; replaces phenylalanine 743 with leucine.
Molecular consequence: missense variant. On other transcripts: 3 prime UTR variant (1).
Genome position (GRCh38, 1-based): chr16:3,243,260, A>G on the plus strand (T>C on the coding strand, the complement: MEFV is on the minus strand). VCF-style: chr16-3243260-A-G. GRCh37 (hg19) VCF-style: chr16-3293260-A-G.
Other names: c.*431T>C (NM_001198536.2); short protein forms F743L.
Identifiers: ClinVar variation 234449 (VCV000234449.4), dbSNP rs876661026, ClinGen allele CA10577516.